The following is an entry in ClinVar:

NM_017780.4(CHD7):c.7596G>A (p.Thr2532=)

Gene: CHD7 (chromodomain helicase DNA binding protein 7; plus strand). Cytogenetic location: 8q12.2.
Variant type: single nucleotide variant.
Coding change: c.7596G>A on transcript NM_017780.4 (MANE Select); coding-DNA position 7596, G replaced by A.
Protein change: p.Thr2532=; no amino-acid change (threonine 2532 retained).
Molecular consequence: synonymous variant. On other transcripts: intron variant (1).
Genome position (GRCh38, 1-based): chr8:60,856,876, G>A. VCF-style: chr8-60856876-G-A. GRCh37 (hg19) VCF-style: chr8-61769435-G-A.
Other names: c.1717-5353G>A (NM_001316690.1).
Identifiers: ClinVar variation 910663 (VCV000910663.14), dbSNP rs375969680, ClinGen allele CA4760837.

ClinVar aggregate classification (germline): Likely benign. Review status: criteria provided, multiple submitters, no conflicts (2 of 4 stars). 4 submissions from 4 submitters: Likely benign (3). 1 of the submissions does not count toward it. Last evaluated 2025-02-11.

Conditions:
CHD7-related disorder. Also called: CHD7-related condition.
Hypogonadotropic hypogonadism 5 with or without anosmia (KAL5). Also called: HYPOGONADOTROPIC HYPOGONADISM 5 WITH ANOSMIA; HYPOGONADOTROPHIC HYPOGONADISM 5 WITHOUT ANOSMIA; CHD7-Related GnRH Deficiency (Kallmann Syndrome 5). Identifiers: Orphanet 478, MedGen C3552553, MONDO:0012880, OMIM 612370. Disease mechanism: loss of function.
CHARGE syndrome (CHARGE). Also called: CHARGE ASSOCIATION--COLOBOMA, HEART ANOMALY, CHOANAL ATRESIA, RETARDATION, GENITAL AND EAR ANOMALIES; Coloboma, heart anomaly, choanal atresia, retardation, genital and ear anomalies; CHARGE association; Hall-Hittner syndrome; Hittner Hirsch Kreh syndrome. Identifiers: Orphanet 138, MedGen C0265354, MONDO:0008965.

Allele frequency attached by ClinVar (database versions not stated): gnomAD exomes 0.00002 and 0.00003; ExAC 0.00003; gnomAD 0.00008; TOPMed 0.00009; ESP Exome Variant Server 0.00031.
gnomAD v4.1: 39 of 1,548,258 alleles (0.0025%); highest among the groups gnomAD compares: African/African-American, 0.036%; no homozygotes.

Submissions (4):

Labcorp Genetics (formerly Invitae), Labcorp
Classification: Likely benign for CHARGE syndrome. Last evaluated: 2025-02-11. Review status: criteria provided, single submitter. Criteria: Invitae Variant Classification Sherloc (09022015). Collection method: clinical testing. Allele origin: germline.

Blueprint Genetics
Classification: Likely benign. Last evaluated: 2019-06-22. Review status: criteria provided, single submitter. Criteria: ACMG Guidelines, 2015. Collection method: clinical testing. Allele origin: germline.

Illumina Laboratory Services, Illumina
Classification: Likely benign for Kallmann Syndrome 5. Last evaluated: 2018-01-12. Review status: criteria provided, single submitter. Criteria: ICSL Variant Classification Criteria 13 December 2019. Collection method: clinical testing. Allele origin: germline.
Comment: This variant was observed in the ICSL laboratory as part of a predisposition screen in an ostensibly healthy population. It had not been previously curated by ICSL or reported in the Human Gene Mutation Database (HGMD: prior to June 1st, 2018), and was therefore a candidate for classification through an automated scoring system. Utilizing variant allele frequency, disease prevalence and penetrance estimates, and inheritance mode, an automated score was calculated to assess if this variant is too frequent to cause the disease. Based on the score and internal cut-off values, a variant classified as likely benign is not then subjected to further curation. The score for this variant resulted in a classification of likely benign for this disease.

PreventionGenetics, part of Exact Sciences
Classification: Likely benign for CHD7-related condition. Last evaluated: 2024-06-17. Review status: no assertion criteria provided. Collection method: clinical testing. Allele origin: germline. Not counted in ClinVar's aggregate classification.
Comment: This variant is classified as likely benign based on ACMG/AMP sequence variant interpretation guidelines (Richards et al. 2015 PMID: 25741868, with internal and published modifications).